The following is an entry in ClinVar:

NM_006164.5(NFE2L2):c.1633G>C (p.Glu545Gln)

Gene: NFE2L2 (NFE2 like bZIP transcription factor 2; minus strand). Cytogenetic location: 2q31.2.
Variant type: single nucleotide variant.
Coding change: c.1633G>C on transcript NM_006164.5 (MANE Select); coding-DNA position 1633, G replaced by C.
Protein change: p.Glu545Gln; replaces glutamic acid 545 with glutamine.
Molecular consequence: missense variant.
Genome position (GRCh38, 1-based): chr2:177,230,970, C>G on the plus strand (G>C on the coding strand, the complement: NFE2L2 is on the minus strand). VCF-style: chr2-177230970-C-G. GRCh37 (hg19) VCF-style: chr2-178095698-C-G.
Other names: c.1585G>C, p.Glu529Gln (NM_001145412.3, NM_001313900.1, NM_001313901.1); c.1564G>C, p.Glu522Gln (NM_001145413.3); c.1543G>C, p.Glu515Gln (NM_001313902.2); c.1414G>C, p.Glu472Gln (NM_001313903.2); c.1333G>C, p.Glu445Gln (NM_001313904.1); short protein forms E545Q, E472Q, E529Q, E522Q, E445Q, E515Q.
Identifiers: ClinVar variation 2761510 (VCV002761510.3), dbSNP rs2105451179, ClinGen allele CA349366860.

ClinVar aggregate classification (germline): Uncertain significance (1 of 4 stars; one submission).

Allele frequency attached by ClinVar (database versions not stated): gnomAD exomes below 0.00001.
gnomAD v4.1: 1 of 1,609,604 alleles (0.000062%); highest among the groups gnomAD compares: Non-Finnish European, 0.000085%; no homozygotes.

Submission:

Labcorp Genetics (formerly Invitae), Labcorp
Classification: Uncertain significance. Last evaluated: 2023-09-19. Review status: criteria provided, single submitter. Criteria: Invitae Variant Classification Sherloc (09022015). Collection method: clinical testing. Allele origin: germline.
Comment: This variant has not been reported in the literature in individuals affected with NFE2L2-related conditions. This variant is not present in population databases (gnomAD no frequency). This sequence change replaces glutamic acid, which is acidic and polar, with glutamine, which is neutral and polar, at codon 545 of the NFE2L2 protein (p.Glu545Gln). Advanced modeling of protein sequence and biophysical properties (such as structural, functional, and spatial information, amino acid conservation, physicochemical variation, residue mobility, and thermodynamic stability) performed at Invitae indicates that this missense variant is not expected to disrupt NFE2L2 protein function. In summary, the available evidence is currently insufficient to determine the role of this variant in disease. Therefore, it has been classified as a Variant of Uncertain Significance.